The following is an entry in ClinVar:

NM_016038.4(SBDS):c.369A>C (p.Glu123Asp)

Gene: SBDS (SBDS ribosome maturation factor; minus strand). Cytogenetic location: 7q11.21.
Variant type: single nucleotide variant.
Coding change: c.369A>C on transcript NM_016038.4 (MANE Select); coding-DNA position 369, A replaced by C.
Protein change: p.Glu123Asp; replaces glutamic acid 123 with aspartic acid.
Molecular consequence: missense variant.
Genome position (GRCh38, 1-based): chr7:66,993,307, T>G on the plus strand (A>C on the coding strand, the complement: SBDS is on the minus strand). VCF-style: chr7-66993307-T-G. GRCh37 (hg19) VCF-style: chr7-66458294-T-G.
Other names: short protein forms E123D.
Identifiers: ClinVar variation 3792708 (VCV003792708.1).

ClinVar aggregate classification (germline): Uncertain significance (1 of 4 stars; one submission).

Conditions:
Inborn genetic diseases. Identifiers: MedGen C0950123, MeSH D030342.

gnomAD v4.1: 9 of 1,614,044 alleles (0.00056%); highest among the groups gnomAD compares: Admixed American, 0.015%; no homozygotes.

Submission:

Ambry Genetics
Classification: Uncertain significance for Inborn genetic diseases. Last evaluated: 2025-01-06. Review status: criteria provided, single submitter. Criteria: Ambry Variant Classification Scheme 2023. Collection method: clinical testing. Allele origin: germline.
Comment: The p.E123D variant (also known as c.369A>C), located in coding exon 3 of the SBDS gene, results from an A to C substitution at nucleotide position 369. The glutamic acid at codon 123 is replaced by aspartic acid, an amino acid with highly similar properties. This amino acid position is conserved. In addition, this alteration is predicted to be tolerated by in silico analysis. Based on the available evidence, the clinical significance of this variant remains unclear.